The following is an entry in ClinVar:

NM_000051.4(ATM):c.5513G>C (p.Cys1838Ser)

Gene: ATM (ATM serine/threonine kinase; plus strand). Cytogenetic location: 11q22.3.
Variant type: single nucleotide variant.
Coding change: c.5513G>C on transcript NM_000051.4 (MANE Select); coding-DNA position 5513, G replaced by C.
Protein change: p.Cys1838Ser; replaces cysteine 1838 with serine.
Molecular consequence: missense variant.
Genome position (GRCh38, 1-based): chr11:108,304,691, G>C. VCF-style: chr11-108304691-G-C. GRCh37 (hg19) VCF-style: chr11-108175418-G-C.
Other names: c.5513G>C, p.Cys1838Ser (NM_001351834.2); short protein forms C1838S.
Identifiers: ClinVar variation 1718388 (VCV001718388.6), dbSNP rs2135942666, ClinGen allele CA382545754.

ClinVar aggregate classification (germline): Uncertain significance. Review status: criteria provided, multiple submitters, no conflicts (2 of 4 stars). 2 submissions from 2 submitters: Uncertain significance (2). Last evaluated 2024-06-24.

Conditions:
Hereditary cancer-predisposing syndrome. Also called: Hereditary neoplastic syndrome; Tumor predisposition; Neoplastic Syndromes, Hereditary; Hereditary Cancer Syndrome. Identifiers: Orphanet 140162, MedGen C0027672, MeSH D009386, MONDO:0015356.
Ataxia-telangiectasia syndrome (AT). Also called: Cerebello-oculocutaneous telangiectasia; ATAXIA-TELANGIECTASIA, COMPLEMENTATION GROUP A; ATAXIA-TELANGIECTASIA, FRESNO VARIANT; Ataxia-telangiectasia, complementation group D; AT, COMPLEMENTATION GROUP C; Immunodeficiency with ataxia telangiectasia. Identifiers: Orphanet 100, MedGen C0004135, MONDO:0008840, OMIM 208900.

Allele frequency attached by ClinVar (database versions not stated): gnomAD exomes below 0.00001.
gnomAD v4.1: 1 of 1,613,828 alleles (0.000062%); highest among the groups gnomAD compares: Non-Finnish European, 0.000085%; no homozygotes.

Submissions (2):

Ambry Genetics
Classification: Uncertain significance for Hereditary cancer-predisposing syndrome. Last evaluated: 2024-06-24. Review status: criteria provided, single submitter. Criteria: Ambry Variant Classification Scheme 2023. Collection method: clinical testing. Allele origin: germline.
Comment: The p.C1838S variant (also known as c.5513G>C), located in coding exon 36 of the ATM gene, results from a G to C substitution at nucleotide position 5513. The cysteine at codon 1838 is replaced by serine, an amino acid with dissimilar properties. This amino acid position is conserved. In addition, the in silico prediction for this alteration is inconclusive. Based on the available evidence, the clinical significance of this variant remains unclear.

Labcorp Genetics (formerly Invitae), Labcorp
Classification: Uncertain significance for Ataxia-telangiectasia syndrome. Last evaluated: 2022-08-30. Review status: criteria provided, single submitter. Criteria: Invitae Variant Classification Sherloc (09022015). Collection method: clinical testing. Allele origin: germline.
Comment: This sequence change replaces cysteine, which is neutral and slightly polar, with serine, which is neutral and polar, at codon 1838 of the ATM protein (p.Cys1838Ser). This variant is not present in population databases (gnomAD no frequency). This variant has not been reported in the literature in individuals affected with ATM-related conditions. Advanced modeling of protein sequence and biophysical properties (such as structural, functional, and spatial information, amino acid conservation, physicochemical variation, residue mobility, and thermodynamic stability) performed at Invitae indicates that this missense variant is not expected to disrupt ATM protein function. In summary, the available evidence is currently insufficient to determine the role of this variant in disease. Therefore, it has been classified as a Variant of Uncertain Significance.